The following is an entry in ClinVar:

ClinVar aggregate classification (germline): Uncertain significance (1 of 4 stars; one submission).

Conditions:
Inborn genetic diseases. Identifiers: MedGen C0950123, MeSH D030342.

Submission:

Ambry Genetics
Classification: Uncertain significance for Inborn genetic diseases. Last evaluated: 2019-07-29. Review status: criteria provided, single submitter. Criteria: Ambry Variant Classification Scheme 2023. Collection method: clinical testing. Allele origin: germline.
Comment: The p.P325L variant (also known as c.974C>T), located in coding exon 3 of the POLG gene, results from a C to T substitution at nucleotide position 974. The proline at codon 325 is replaced by leucine, an amino acid with similar properties. This amino acid position is poorly conserved in available vertebrate species. In addition, this alteration is predicted to be tolerated by in silico analysis. Since supporting evidence is limited at this time, the clinical significance of this alteration remains unclear.

NM_002693.3(POLG):c.974C>T (p.Pro325Leu)

Gene: POLG (DNA polymerase gamma, catalytic subunit; minus strand). Cytogenetic location: 15q26.1.
Variant type: single nucleotide variant.
Coding change: c.974C>T on transcript NM_002693.3 (MANE Select); coding-DNA position 974, C replaced by T.
Protein change: p.Pro325Leu; replaces proline 325 with leucine.
Molecular consequence: missense variant.
Genome position (GRCh38, 1-based): chr15:89,328,992, G>A on the plus strand (C>T on the coding strand, the complement: POLG is on the minus strand). VCF-style: chr15-89328992-G-A. GRCh37 (hg19) VCF-style: chr15-89872223-G-A.
Other names: c.974C>T, p.Pro325Leu (NM_001126131.2); short protein forms P325L.
Identifiers: ClinVar variation 1768072 (VCV001768072.2), dbSNP rs1370921826, ClinGen allele CA393765550.